The following is an entry in ClinVar:

NM_006623.4(PHGDH):c.743C>A (p.Ala248Asp)

Gene: PHGDH (phosphoglycerate dehydrogenase; plus strand). Cytogenetic location: 1p12.
Variant type: single nucleotide variant.
Coding change: c.743C>A on transcript NM_006623.4 (MANE Select); coding-DNA position 743, C replaced by A.
Protein change: p.Ala248Asp; replaces alanine 248 with aspartic acid.
Molecular consequence: missense variant.
Genome position (GRCh38, 1-based): chr1:119,735,394, C>A. VCF-style: chr1-119735394-C-A. GRCh37 (hg19) VCF-style: chr1-120278017-C-A.
Other names: short protein forms A248D.
Identifiers: ClinVar variation 536420 (VCV000536420.10), dbSNP rs201782441, ClinGen allele CA341850303.
Genomic context (GRCh38, chr1:119,735,394, plus strand): 5'-GGGTGCGTGTGGTGAACTGTGCCCGTGGAGGGATCGTGGACGAAGGCGCCCTGCTCCGGG[C>A]CCTGCAGTCTGGCCAGTGTGCCGGGGCTGCACTGGACGTGTTTACGGAAGTAAGTGCCTG-3'
Protein context (NP_006614.2, residues 238-258): GIVDEGALLR[Ala248Asp]LQSGQCAGAA

ClinVar aggregate classification (germline): Uncertain significance. Review status: criteria provided, multiple submitters, no conflicts (2 of 4 stars). 4 submissions from 3 submitters: Uncertain significance (4). Last evaluated 2023-04-11.

Conditions:
Inborn genetic diseases. Identifiers: MedGen C0950123, MeSH D030342.
Neu-Laxova syndrome 1 (NLS1). Identifiers: Orphanet 2671, Orphanet 583607, MedGen C4551478, MONDO:0009736, OMIM 256520. Disease mechanism: loss of function.
PHGDH deficiency. Identifiers: Orphanet 79351, MedGen C1866174, MONDO:0011152, OMIM 601815.

gnomAD v4.1: 4 of 1,614,098 alleles (0.00025%); highest among the groups gnomAD compares: South Asian, 0.0033%; no homozygotes.

Submissions (4):

Genome-Nilou Lab
Classification: Uncertain significance for Neu-Laxova syndrome 1. Last evaluated: 2023-04-11. Review status: criteria provided, single submitter. Criteria: ACMG Guidelines, 2015. Collection method: clinical testing. Allele origin: germline. Affected: no.

Genome-Nilou Lab
Classification: Uncertain significance for PHGDH deficiency. Last evaluated: 2023-04-11. Review status: criteria provided, single submitter. Criteria: ACMG Guidelines, 2015. Collection method: clinical testing. Allele origin: germline. Affected: no.

Labcorp Genetics (formerly Invitae), Labcorp
Classification: Uncertain significance for PHGDH deficiency. Last evaluated: 2022-09-09. Review status: criteria provided, single submitter. Criteria: Invitae Variant Classification Sherloc (09022015). Collection method: clinical testing. Allele origin: germline.
Comment: This sequence change replaces alanine, which is neutral and non-polar, with aspartic acid, which is acidic and polar, at codon 248 of the PHGDH protein (p.Ala248Asp). This variant is present in population databases (no rsID available, gnomAD 0.003%). This variant has not been reported in the literature in individuals affected with PHGDH-related conditions. ClinVar contains an entry for this variant (Variation ID: 536420). Advanced modeling of protein sequence and biophysical properties (such as structural, functional, and spatial information, amino acid conservation, physicochemical variation, residue mobility, and thermodynamic stability) has been performed at Invitae for this missense variant, however the output from this modeling did not meet the statistical confidence thresholds required to predict the impact of this variant on PHGDH protein function. In summary, the available evidence is currently insufficient to determine the role of this variant in disease. Therefore, it has been classified as a Variant of Uncertain Significance.

Ambry Genetics
Classification: Uncertain significance for Inborn genetic diseases. Last evaluated: 2022-09-02. Review status: criteria provided, single submitter. Criteria: Ambry Variant Classification Scheme 2023. Collection method: clinical testing. Allele origin: germline.
Comment: The c.743C>A (p.A248D) alteration is located in exon 7 (coding exon 7) of the PHGDH gene. This alteration results from a C to A substitution at nucleotide position 743, causing the alanine (A) at amino acid position 248 to be replaced by an aspartic acid (D). Based on data from gnomAD, the A allele has an overall frequency of <0.001% (1/250070) total alleles studied. This amino acid position is highly conserved in available vertebrate species. This alteration is predicted to be deleterious by in silico analysis. Based on insufficient or conflicting evidence, the clinical significance of this alteration remains unclear.